The following is an entry in ClinVar:

ClinVar aggregate classification (germline): Conflicting classifications of pathogenicity. Review status: criteria provided, conflicting classifications (1 of 4 stars). 11 submissions from 11 submitters: Uncertain significance (3); Likely benign (5). 3 of the submissions do not count toward it. Last evaluated 2026-06-01.

Conditions:
Robinow-Sorauf syndrome. Also called: ACROCEPHALOSYNDACTYLY, ROBINOW-SORAUF TYPE; CRANIOSYNOSTOSIS-BIFID HALLUX SYNDROME. Identifiers: MedGen C1867146, MONDO:0008391, OMIM 180750.
Sweeney-Cox syndrome. Identifiers: MedGen C4540299, MONDO:0060592, OMIM 617746.
TWIST1-related craniosynostosis (CRS1). Also called: CRANIOSYNOSTOSIS 1. Identifiers: Orphanet 63440, MedGen C4551902, MONDO:0007399, OMIM 123100. Inheritance: Heterogenous inheritance pattern.
Saethre-Chotzen syndrome (SCS). Also called: ACROCEPHALY, SKULL ASYMMETRY, AND MILD SYNDACTYLY; ACS III; CHOTZEN SYNDROME. Identifiers: Orphanet 794, MedGen C0175699, MONDO:0007042, OMIM 101400.
TWIST1-related disorder.

Allele frequency attached by ClinVar (database versions not stated): gnomAD 0.00102; TOPMed 0.00117; gnomAD exomes 0.00120.

Submissions (11):

CeGaT Center for Human Genetics Tuebingen
Classification: Likely benign. Last evaluated: 2026-06-01. Review status: criteria provided, single submitter. Criteria: CeGaT Center For Human Genetics Tuebingen Variant Classification Criteria Version 2. Collection method: clinical testing. Allele origin: germline. Affected: yes. Observed: 2 variant alleles.
Comment: TWIST1: PP2, PP3, BS1

Labcorp Genetics (formerly Invitae), Labcorp
Classification: Likely benign for TWIST1-related craniosynostosis; Saethre-Chotzen syndrome. Last evaluated: 2026-01-15. Review status: criteria provided, single submitter. Criteria: Invitae Variant Classification Sherloc (09022015). Collection method: clinical testing. Allele origin: germline.

Blueprint Genetics
Classification: Likely benign. Last evaluated: 2024-11-27. Review status: criteria provided, single submitter. Criteria: ACMG Guidelines, 2015. Collection method: clinical testing. Allele origin: germline.

Women's Health and Genetics/Laboratory Corporation of America, LabCorp
Classification: Likely benign. Last evaluated: 2023-03-09. Review status: criteria provided, single submitter. Criteria: LabCorp Variant Classification Summary - May 2015. Collection method: clinical testing. Allele origin: germline.
Comment: Variant summary: TWIST1 c.94G>A (p.Gly32Ser) results in a non-conservative amino acid change in the encoded protein sequence. Four of five in-silico tools predict a benign effect of the variant on protein function. The variant allele was found at a frequency of 0.0012 in 77226 control chromosomes. This frequency does not allow conclusions about variant significance. Although c.94G>A has been reported in the literature in individuals affected with features of TWIST1-Related Disorders, it has also been reported in unaffected individuals with an author assertion as a non-pathogenic variant (example, PMID:24127277). These report(s) do not provide unequivocal conclusions about association of the variant with TWIST1-Related Disorders. To our knowledge, no experimental evidence demonstrating an impact on protein function has been reported. Five clinical diagnostic laboratories have submitted clinical-significance assessments for this variant to ClinVar after 2014 without evidence for independent evaluation. Multiple laboratories reported the variant with conflicting assessments (Likely benign, n=2; VUS, n=3). Based on the evidence outlined above, the variant was classified as likely benign.

GeneDx
Classification: Likely benign. Last evaluated: 2019-08-07. Review status: criteria provided, single submitter. Criteria: GeneDx Variant Classification Process June 2021. Collection method: clinical testing. Allele origin: germline. Affected: yes.
Comment: In silico analysis, which includes protein predictors and evolutionary conservation, supports that this variant does not alter protein structure/function; This variant is associated with the following publications: (PMID: 24127277, 26633542, 19952666, 17343269)

Fulgent Genetics
Classification: Uncertain significance for Saethre-Chotzen syndrome; TWIST1-related craniosynostosis; Robinow-Sorauf syndrome; Sweeney-Cox syndrome. Last evaluated: 2018-10-31. Review status: criteria provided, single submitter. Criteria: ACMG Guidelines, 2015. Collection method: clinical testing. Allele origin: unknown.

Genetic Services Laboratory, University of Chicago
Classification: Uncertain significance. Last evaluated: 2016-05-18. Review status: criteria provided, single submitter. Criteria: ACMG Guidelines, 2015. Collection method: clinical testing. Allele origin: germline. Affected: no.

Center for Pediatric Genomic Medicine, Children's Mercy Hospital and Clinics
Classification: Uncertain significance. Last evaluated: 2015-12-23. Review status: criteria provided, single submitter. Criteria: ACMG Guidelines, 2015. Collection method: clinical testing. Allele origin: germline.
ClinVar note: Converted during submission from Uncertain Significance to Uncertain significance.

PreventionGenetics, part of Exact Sciences
Classification: Likely benign for TWIST1-related condition. Last evaluated: 2022-03-01. Review status: no assertion criteria provided. Collection method: clinical testing. Allele origin: germline. Not counted in ClinVar's aggregate classification.
Comment: This variant is classified as likely benign based on ACMG/AMP sequence variant interpretation guidelines (Richards et al. 2015 PMID: 25741868, with internal and published modifications).

Diagnostic Laboratory, Department of Genetics, University Medical Center Groningen
Classification: Likely benign. Review status: no assertion criteria provided. Collection method: clinical testing. Allele origin: germline. Affected: yes. Study: VKGL Data-share Consensus. Not counted in ClinVar's aggregate classification.

Laboratory of Diagnostic Genome Analysis, Leiden University Medical Center (LUMC)
Classification: Likely benign. Review status: no assertion criteria provided. Collection method: clinical testing. Allele origin: germline. Affected: yes. Study: VKGL Data-share Consensus. Not counted in ClinVar's aggregate classification.

Literature cited by the submitters: PubMed 24127277 (cited by Women's Health and Genetics/Laboratory Corporation of America, LabCorp); PubMed 19952666 (cited by Women's Health and Genetics/Laboratory Corporation of America, LabCorp).

NM_000474.4(TWIST1):c.94G>A (p.Gly32Ser)

Gene: TWIST1 (twist family bHLH transcription factor 1; minus strand). Cytogenetic location: 7p21.1.
Variant type: single nucleotide variant.
Coding change: c.94G>A on transcript NM_000474.4 (MANE Select); coding-DNA position 94, G replaced by A.
Protein change: p.Gly32Ser; replaces glycine 32 with serine.
Molecular consequence: missense variant. On other transcripts: non-coding transcript variant (1).
Genome position (GRCh38, 1-based): chr7:19,117,228, C>T on the plus strand (G>A on the coding strand, the complement: TWIST1 is on the minus strand). VCF-style: chr7-19117228-C-T. GRCh37 (hg19) VCF-style: chr7-19156851-C-T.
Other names: short protein forms G32S.
Identifiers: ClinVar variation 235255 (VCV000235255.34), dbSNP rs878852992, ClinGen allele CA10581256.